The following is an entry in ClinVar:

ClinVar aggregate classification (germline): Uncertain significance (1 of 4 stars; one submission).

Conditions:
Hypertrophic cardiomyopathy. Also called: HYPERTROPHIC MYOCARDIOPATHY. Identifiers: Orphanet 217569, MedGen C0007194, MeSH D002312, MONDO:0005045, HP:0001639.

Submission:

Labcorp Genetics (formerly Invitae), Labcorp
Classification: Uncertain significance for Hypertrophic cardiomyopathy. Last evaluated: 2022-03-19. Review status: criteria provided, single submitter. Criteria: Invitae Variant Classification Sherloc (09022015). Collection method: clinical testing. Allele origin: germline.
Comment: In summary, the available evidence is currently insufficient to determine the role of this variant in disease. Therefore, it has been classified as a Variant of Uncertain Significance. Algorithms developed to predict the effect of missense changes on protein structure and function are either unavailable or do not agree on the potential impact of this missense change (SIFT: "Deleterious"; PolyPhen-2: "Probably Damaging"; Align-GVGD: "Class C0"). ClinVar contains an entry for this variant (Variation ID: 968132). This variant has not been reported in the literature in individuals affected with MYH7-related conditions. This variant is not present in population databases (gnomAD no frequency). This sequence change replaces alanine, which is neutral and non-polar, with threonine, which is neutral and polar, at codon 150 of the MYH7 protein (p.Ala150Thr).

NM_000257.4(MYH7):c.448G>A (p.Ala150Thr)

Gene: MYH7 (myosin heavy chain 7; minus strand). Cytogenetic location: 14q11.2.
Variant type: single nucleotide variant.
Coding change: c.448G>A on transcript NM_000257.4 (MANE Select); coding-DNA position 448, G replaced by A.
Protein change: p.Ala150Thr; replaces alanine 150 with threonine.
Molecular consequence: missense variant.
Genome position (GRCh38, 1-based): chr14:23,432,693, C>T on the plus strand (G>A on the coding strand, the complement: MYH7 is on the minus strand). VCF-style: chr14-23432693-C-T. GRCh37 (hg19) VCF-style: chr14-23901902-C-T.
Other names: short protein forms A150T.
Identifiers: ClinVar variation 968132 (VCV000968132.9), dbSNP rs1892997372, ClinGen allele CA389052800.